The following is an entry in ClinVar:

ClinVar aggregate classification (germline): Uncertain significance (1 of 4 stars; one submission).

Conditions:
Early-infantile DEE. Also called: Ohtahara syndrome; Early infantile epileptic encephalopathy with suppression bursts; Early infantile epileptic encephalopathy. Identifiers: Orphanet 1934, MedGen C0393706, MONDO:0800491.

Submission:

Labcorp Genetics (formerly Invitae), Labcorp
Classification: Uncertain significance for Early-infantile DEE. Last evaluated: 2022-01-18. Review status: criteria provided, single submitter. Criteria: Invitae Variant Classification Sherloc (09022015). Collection method: clinical testing. Allele origin: germline.
Comment: This variant has not been reported in the literature in individuals affected with CACNA2D2-related conditions. This variant is not present in population databases (gnomAD no frequency). This sequence change replaces proline, which is neutral and non-polar, with leucine, which is neutral and non-polar, at codon 775 of the CACNA2D2 protein (p.Pro775Leu). In summary, the available evidence is currently insufficient to determine the role of this variant in disease. Therefore, it has been classified as a Variant of Uncertain Significance. Algorithms developed to predict the effect of missense changes on protein structure and function are either unavailable or do not agree on the potential impact of this missense change (SIFT: "Deleterious"; PolyPhen-2: "Benign"; Align-GVGD: "Class C15").

NM_006030.4(CACNA2D2):c.2324C>T (p.Pro775Leu)

Genes: CACNA2D2 (calcium voltage-gated channel auxiliary subunit alpha2delta 2; minus strand), LOC101928965 (uncharacterized LOC101928965; plus strand), LOC127898564 (CYB561D2-LOC101928965; plus strand). Cytogenetic location: 3p21.31.
Variant type: single nucleotide variant.
Coding change: c.2324C>T on transcript NM_006030.4 (MANE Select); coding-DNA position 2324, C replaced by T.
Protein change: p.Pro775Leu; replaces proline 775 with leucine.
Molecular consequence: missense variant.
Genome position (GRCh38, 1-based): chr3:50,367,471, G>A on the plus strand (C>T on the coding strand, the complement: CACNA2D2 is on the minus strand). VCF-style: chr3-50367471-G-A. GRCh37 (hg19) VCF-style: chr3-50404902-G-A.
Other names: c.2324C>T, p.Pro775Leu (NM_001005505.3, NM_001410768.1); c.2345C>T, p.Pro782Leu (NM_001174051.3); c.2117C>T, p.Pro706Leu (NM_001291101.1); short protein forms P775L, P782L, P706L.
Identifiers: ClinVar variation 2087693 (VCV002087693.4), dbSNP rs2470988341, ClinGen allele CA352913681.